The following is an entry in ClinVar:

ClinVar aggregate classification (germline): Uncertain significance (1 of 4 stars; one submission).

gnomAD v4.1: 6 of 1,612,626 alleles (0.00037%); highest among the groups gnomAD compares: South Asian, 0.0066%; no homozygotes.

Submission:

Labcorp Genetics (formerly Invitae), Labcorp
Classification: Uncertain significance. Last evaluated: 2025-05-03. Review status: criteria provided, single submitter. Criteria: Invitae Variant Classification Sherloc (09022015). Collection method: clinical testing. Allele origin: germline.
Comment: This sequence change replaces leucine, which is neutral and non-polar, with proline, which is neutral and non-polar, at codon 574 of the SYNPO protein (p.Leu574Pro). This variant is present in population databases (rs750104880, gnomAD 0.02%). This variant has not been reported in the literature in individuals affected with SYNPO-related conditions. An algorithm developed to predict the effect of missense changes on protein structure and function (PolyPhen-2) suggests that this variant is likely to be disruptive. In summary, the available evidence is currently insufficient to determine the role of this variant in disease. Therefore, it has been classified as a Variant of Uncertain Significance.

NM_007286.6(SYNPO):c.1721T>C (p.Leu574Pro)

Gene: SYNPO (synaptopodin; plus strand). Cytogenetic location: 5q33.1.
Variant type: single nucleotide variant.
Coding change: c.1721T>C on transcript NM_007286.6 (MANE Select); coding-DNA position 1721, T replaced by C.
Protein change: p.Leu574Pro; replaces leucine 574 with proline.
Molecular consequence: missense variant.
Genome position (GRCh38, 1-based): chr5:150,649,996, T>C. VCF-style: chr5-150649996-T-C. GRCh37 (hg19) VCF-style: chr5-150029558-T-C.
Other names: c.1721T>C, p.Leu574Pro (NM_001109974.3); c.2453T>C, p.Leu818Pro (NM_001166208.2, NM_001166209.2); short protein forms L574P, L818P.
Identifiers: ClinVar variation 4761629 (VCV004761629.1).